The following is an entry in ClinVar:

ClinVar aggregate classification (germline): Uncertain significance (1 of 4 stars; one submission).

Conditions:
Hereditary cancer-predisposing syndrome. Also called: Hereditary Cancer Syndrome; Neoplastic Syndromes, Hereditary; Tumor predisposition; Hereditary neoplastic syndrome. Identifiers: Orphanet 140162, MedGen C0027672, MeSH D009386, MONDO:0015356.

Submission:

Ambry Genetics
Classification: Uncertain significance for Hereditary cancer-predisposing syndrome. Last evaluated: 2021-11-21. Review status: criteria provided, single submitter. Criteria: Ambry Variant Classification Scheme 2023. Collection method: clinical testing. Allele origin: germline.
Comment: The p.E1800Q variant (also known as c.5398G>C), located in coding exon 35 of the ATM gene, results from a G to C substitution at nucleotide position 5398. The glutamic acid at codon 1800 is replaced by glutamine, an amino acid with highly similar properties. This amino acid position is conserved. In addition, this alteration is predicted to be tolerated by in silico analysis. Since supporting evidence is limited at this time, the clinical significance of this alteration remains unclear.

NM_000051.4(ATM):c.5398G>C (p.Glu1800Gln)

Gene: ATM (ATM serine/threonine kinase; plus strand). Cytogenetic location: 11q22.3.
Variant type: single nucleotide variant.
Coding change: c.5398G>C on transcript NM_000051.4 (MANE Select); coding-DNA position 5398, G replaced by C.
Protein change: p.Glu1800Gln; replaces glutamic acid 1800 with glutamine.
Molecular consequence: missense variant.
Genome position (GRCh38, 1-based): chr11:108,302,931, G>C. VCF-style: chr11-108302931-G-C. GRCh37 (hg19) VCF-style: chr11-108173658-G-C.
Other names: c.5398G>C, p.Glu1800Gln (NM_001351834.2); short protein forms E1800Q.
Identifiers: ClinVar variation 1747259 (VCV001747259.2), dbSNP rs2135928834, ClinGen allele CA382543713.